The following is an entry in ClinVar:

NM_001035.3(RYR2):c.14078C>T (p.Ser4693Phe)

Gene: RYR2 (ryanodine receptor 2; plus strand). Cytogenetic location: 1q43.
Variant type: single nucleotide variant.
Coding change: c.14078C>T on transcript NM_001035.3 (MANE Select); coding-DNA position 14078, C replaced by T.
Protein change: p.Ser4693Phe; replaces serine 4693 with phenylalanine.
Molecular consequence: missense variant.
Genome position (GRCh38, 1-based): chr1:237,798,158, C>T. VCF-style: chr1-237798158-C-T. GRCh37 (hg19) VCF-style: chr1-237961458-C-T.
Other names: c.14078C>T (NM_001035.2); short protein forms S4693F.
Identifiers: ClinVar variation 2903787 (VCV002903787.3), dbSNP rs2528018852, ClinGen allele CA345420090.

ClinVar aggregate classification (germline): Uncertain significance. Review status: criteria provided, multiple submitters, no conflicts (2 of 4 stars). 3 submissions from 3 submitters: Uncertain significance (3). Last evaluated 2025-07-09.

Conditions:
Catecholaminergic polymorphic ventricular tachycardia 1. Also called: VENTRICULAR TACHYCARDIA, STRESS-INDUCED POLYMORPHIC 1; VENTRICULAR TACHYCARDIA, CATECHOLAMINERGIC POLYMORPHIC, 1, WITH OR WITHOUT ATRIAL DYSFUNCTION AND/OR DILATED CARDIOMYOPATHY; RYR2-Related Catecholaminergic Polymorphic Ventricular Tachycardia. Identifiers: Orphanet 3286, MedGen C1631597, MONDO:0011484, OMIM 604772.
Cardiovascular phenotype. Identifiers: MedGen CN230736.

Allele frequency attached by ClinVar (database versions not stated): gnomAD exomes 0.00001.
gnomAD v4.1: 10 of 1,612,468 alleles (0.00062%); highest among the groups gnomAD compares: Non-Finnish European, 0.00076%; no homozygotes.

Submissions (3):

Women's Health and Genetics/Laboratory Corporation of America, LabCorp
Classification: Uncertain significance. Last evaluated: 2025-07-09. Review status: criteria provided, single submitter. Criteria: LabCorp Variant Classification Summary - May 2015. Collection method: clinical testing. Allele origin: germline.

Ambry Genetics
Classification: Uncertain significance for Cardiovascular phenotype. Last evaluated: 2024-04-10. Review status: criteria provided, single submitter. Criteria: Ambry Variant Classification Scheme 2023. Collection method: clinical testing. Allele origin: germline.
Comment: The p.S4693F variant (also known as c.14078C>T), located in coding exon 97 of the RYR2 gene, results from a C to T substitution at nucleotide position 14078. The serine at codon 4693 is replaced by phenylalanine, an amino acid with highly dissimilar properties. This amino acid position is highly conserved in available vertebrate species. In addition, this alteration is predicted to be deleterious by in silico analysis. Based on the available evidence, the clinical significance of this variant remains unclear.

Labcorp Genetics (formerly Invitae), Labcorp
Classification: Uncertain significance for Catecholaminergic polymorphic ventricular tachycardia 1. Last evaluated: 2023-03-08. Review status: criteria provided, single submitter. Criteria: Invitae Variant Classification Sherloc (09022015). Collection method: clinical testing. Allele origin: germline.
Comment: This variant has not been reported in the literature in individuals affected with RYR2-related conditions. In summary, the available evidence is currently insufficient to determine the role of this variant in disease. Therefore, it has been classified as a Variant of Uncertain Significance. Advanced modeling of protein sequence and biophysical properties (such as structural, functional, and spatial information, amino acid conservation, physicochemical variation, residue mobility, and thermodynamic stability) performed at Invitae indicates that this missense variant is not expected to disrupt RYR2 protein function. This variant is not present in population databases (gnomAD no frequency). This sequence change replaces serine, which is neutral and polar, with phenylalanine, which is neutral and non-polar, at codon 4693 of the RYR2 protein (p.Ser4693Phe).